The following is an entry in ClinVar:

NM_025074.7(FRAS1):c.3010+9G>A

Gene: FRAS1 (Fraser extracellular matrix complex subunit 1; plus strand). Cytogenetic location: 4q21.21.
Variant type: single nucleotide variant.
Coding change: c.3010+9G>A on transcript NM_025074.7 (MANE Select); 9 bases into the intron after coding-DNA position 3010, G replaced by A.
Molecular consequence: intron variant.
Genome position (GRCh38, 1-based): chr4:78,372,867, G>A. VCF-style: chr4-78372867-G-A. GRCh37 (hg19) VCF-style: chr4-79294021-G-A.
Other names: c.3010+9G>A (NM_001166133.2).
Identifiers: ClinVar variation 286423 (VCV000286423.19), dbSNP rs148841455, ClinGen allele CA2976790.

ClinVar aggregate classification (germline): Conflicting classifications of pathogenicity. Review status: criteria provided, conflicting classifications (1 of 4 stars). 5 submissions from 5 submitters: Uncertain significance (2); Likely benign (2). 1 of the submissions does not count toward it. Last evaluated 2026-01-20.

Conditions:
Fraser syndrome 1 (FRASRS1). Also called: CRYPTOPHTHALMOS WITH OTHER MALFORMATIONS. Identifiers: Orphanet 2052, MedGen C4551480, MONDO:0054737, OMIM 219000.
FRAS1-related disorder. Also called: FRAS1-related condition.

Allele frequency attached by ClinVar (database versions not stated): 1000 Genomes Project 30x 0.00031; 1000 Genomes Project 0.00040; TOPMed 0.00049; gnomAD 0.00050 and 0.00051; ESP Exome Variant Server 0.00074.
gnomAD v4.1: 1,093 of 1,611,880 alleles (0.068%); highest among the groups gnomAD compares: Non-Finnish European, 0.087%; 1 homozygote.

Submissions (5):

Labcorp Genetics (formerly Invitae), Labcorp
Classification: Likely benign. Last evaluated: 2026-01-20. Review status: criteria provided, single submitter. Criteria: Invitae Variant Classification Sherloc (09022015). Collection method: clinical testing. Allele origin: germline.

Blueprint Genetics
Classification: Likely benign. Last evaluated: 2024-11-21. Review status: criteria provided, single submitter. Criteria: ACMG Guidelines, 2015. Collection method: clinical testing. Allele origin: germline.

Illumina Laboratory Services, Illumina
Classification: Uncertain significance for Fraser syndrome 1. Last evaluated: 2018-01-12. Review status: criteria provided, single submitter. Criteria: ICSL Variant Classification Criteria 13 December 2019. Collection method: clinical testing. Allele origin: germline.

Eurofins Ntd Llc (ga)
Classification: Uncertain significance. Last evaluated: 2016-03-12. Review status: criteria provided, single submitter. Criteria: EGL Classification Definitions 2015. Collection method: clinical testing. Allele origin: germline. Observed: 1 variant allele, 1 heterozygote.

PreventionGenetics, part of Exact Sciences
Classification: Likely benign for FRAS1-related condition. Last evaluated: 2019-05-15. Review status: no assertion criteria provided. Collection method: clinical testing. Allele origin: germline. Not counted in ClinVar's aggregate classification.
Comment: This variant is classified as likely benign based on ACMG/AMP sequence variant interpretation guidelines (Richards et al. 2015 PMID: 25741868, with internal and published modifications).